The following is an entry in ClinVar:

NM_170665.4(ATP2A2):c.2063A>G (p.Glu688Gly)

Genes: ATP2A2 (ATPase sarcoplasmic/endoplasmic reticulum Ca2+ transporting 2; plus strand), LOC126861637 (MED14-independent group 3 enhancer GRCh37_chr12:110778306-110779505; plus strand). Cytogenetic location: 12q24.11.
Variant type: single nucleotide variant.
Coding change: c.2063A>G on transcript NM_170665.4 (MANE Select); coding-DNA position 2063, A replaced by G.
Protein change: p.Glu688Gly; replaces glutamic acid 688 with glycine.
Molecular consequence: missense variant.
Genome position (GRCh38, 1-based): chr12:110,340,960, A>G. VCF-style: chr12-110340960-A-G. GRCh37 (hg19) VCF-style: chr12-110778765-A-G.
Other names: c.1958A>G, p.Glu653Gly (NM_001413013.1); c.2063A>G, p.Glu688Gly (NM_001413014.1, NM_001681.4); c.1688A>G, p.Glu563Gly (NM_001413015.1); short protein forms E563G, E653G, E688G.
Identifiers: ClinVar variation 2104852 (VCV002104852.4), dbSNP rs150123803, ClinGen allele CA243508484.

ClinVar aggregate classification (germline): Uncertain significance (1 of 4 stars; one submission).

Allele frequency attached by ClinVar (database versions not stated): gnomAD exomes below 0.00001; TOPMed 0.00001; gnomAD 0.00002; ESP Exome Variant Server 0.00008.
gnomAD v4.1: 7 of 1,614,052 alleles (0.00043%); highest among the groups gnomAD compares: African/African-American, 0.0067%; no homozygotes.

Submission:

Labcorp Genetics (formerly Invitae), Labcorp
Classification: Uncertain significance. Last evaluated: 2022-02-28. Review status: criteria provided, single submitter. Criteria: Invitae Variant Classification Sherloc (09022015). Collection method: clinical testing. Allele origin: germline.
Comment: In summary, the available evidence is currently insufficient to determine the role of this variant in disease. Therefore, it has been classified as a Variant of Uncertain Significance. Advanced modeling of protein sequence and biophysical properties (such as structural, functional, and spatial information, amino acid conservation, physicochemical variation, residue mobility, and thermodynamic stability) performed at Invitae indicates that this missense variant is expected to disrupt ATP2A2 protein function. This variant has not been reported in the literature in individuals affected with ATP2A2-related conditions. This variant is not present in population databases (gnomAD no frequency). This sequence change replaces glutamic acid, which is acidic and polar, with glycine, which is neutral and non-polar, at codon 688 of the ATP2A2 protein (p.Glu688Gly).